The following is an entry in ClinVar:

NM_000108.5(DLD):c.495G>A (p.Thr165=)

Gene: DLD (dihydrolipoamide dehydrogenase; plus strand). Cytogenetic location: 7q31.1.
Variant type: single nucleotide variant.
Coding change: c.495G>A on transcript NM_000108.5 (MANE Select); coding-DNA position 495, G replaced by A.
Protein change: p.Thr165=; no amino-acid change (threonine 165 retained).
Molecular consequence: synonymous variant. On other transcripts: intron variant (1).
Genome position (GRCh38, 1-based): chr7:107,905,417, G>A. VCF-style: chr7-107905417-G-A. GRCh37 (hg19) VCF-style: chr7-107545862-G-A.
Other names: p.Thr165=; c.198G>A, p.Thr66= (NM_001289750.1); c.426G>A, p.Thr142= (NM_001289751.1); c.438+359G>A (NM_001289752.1).
Identifiers: ClinVar variation 1111262 (VCV001111262.10), dbSNP rs202125454, ClinGen allele CA4434485.

ClinVar aggregate classification (germline): Likely benign. Review status: criteria provided, multiple submitters, no conflicts (2 of 4 stars). 2 submissions from 2 submitters: Likely benign (2). Last evaluated 2025-12-07.

Conditions:
Pyruvate dehydrogenase E3 deficiency (DLDD). Also called: Dihydrolipoamide Dehydrogenase E3 Deficiency; Dihydrolipoamide Dehydrogenase Deficiency; Dihydrolipoamide Dehydrogenase (E3) Deficiency; DLD DEFICIENCY; E3 DEFICIENCY; Lipoamide dehydrogenase deficiency, lactic acidosis due to. Identifiers: Orphanet 2394, Orphanet 765, MedGen C5574660, MONDO:0009529, OMIM 246900.

Allele frequency attached by ClinVar (database versions not stated): gnomAD exomes 0.00001; ExAC 0.00002; gnomAD 0.00003; 1000 Genomes Project 30x 0.00016; 1000 Genomes Project 0.00020.

Submissions (2):

Labcorp Genetics (formerly Invitae), Labcorp
Classification: Likely benign for Pyruvate dehydrogenase E3 deficiency. Last evaluated: 2025-12-07. Review status: criteria provided, single submitter. Criteria: Invitae Variant Classification Sherloc (09022015). Collection method: clinical testing. Allele origin: germline.

Mayo Clinic Laboratories, Mayo Clinic
Classification: Likely benign. Last evaluated: 2025-03-11. Review status: criteria provided, single submitter. Criteria: ACMG Guidelines, 2015. Collection method: clinical testing. Allele origin: germline. Observed: 1 variant allele.
Comment: BP4, BP7